The following is an entry in ClinVar:

ClinVar aggregate classification (germline): Uncertain significance (1 of 4 stars; one submission).

Allele frequency attached by ClinVar (database versions not stated): gnomAD exomes below 0.00001; TOPMed below 0.00001; gnomAD 0.00001.
gnomAD v4.1: 4 of 1,613,648 alleles (0.00025%); highest among the groups gnomAD compares: African/African-American, 0.0027%; no homozygotes.

Submission:

Labcorp Genetics (formerly Invitae), Labcorp
Classification: Uncertain significance. Last evaluated: 2023-12-13. Review status: criteria provided, single submitter. Criteria: Invitae Variant Classification Sherloc (09022015). Collection method: clinical testing. Allele origin: germline.
Comment: This sequence change replaces serine, which is neutral and polar, with threonine, which is neutral and polar, at codon 780 of the PCLO protein (p.Ser780Thr). This variant is present in population databases (no rsID available, gnomAD 0.004%). This variant has not been reported in the literature in individuals affected with PCLO-related conditions. Experimental studies and prediction algorithms are not available or were not evaluated, and the functional significance of this variant is currently unknown. In summary, the available evidence is currently insufficient to determine the role of this variant in disease. Therefore, it has been classified as a Variant of Uncertain Significance.

NM_033026.6(PCLO):c.2339G>C (p.Ser780Thr)

Gene: PCLO (piccolo presynaptic cytomatrix protein; minus strand). Cytogenetic location: 7q21.11.
Variant type: single nucleotide variant.
Coding change: c.2339G>C on transcript NM_033026.6 (MANE Select); coding-DNA position 2339, G replaced by C.
Protein change: p.Ser780Thr; replaces serine 780 with threonine.
Molecular consequence: missense variant.
Genome position (GRCh38, 1-based): chr7:83,135,211, C>G on the plus strand (G>C on the coding strand, the complement: PCLO is on the minus strand). VCF-style: chr7-83135211-C-G. GRCh37 (hg19) VCF-style: chr7-82764527-C-G.
Other names: c.2339G>C, p.Ser780Thr (NM_014510.3); short protein forms S780T.
Identifiers: ClinVar variation 2798302 (VCV002798302.3), dbSNP rs1353024186, ClinGen allele CA367901642.